The following is an entry in ClinVar:

NM_001145809.2(MYH14):c.1210+58C>T

Gene: MYH14 (myosin heavy chain 14; plus strand). Cytogenetic location: 19q13.33.
Variant type: single nucleotide variant.
Coding change: c.1210+58C>T on transcript NM_001145809.2 (MANE Select); 58 bases into the intron after coding-DNA position 1210, C replaced by T.
Molecular consequence: intron variant.
Genome position (GRCh38, 1-based): chr19:50,244,395, C>T. VCF-style: chr19-50244395-C-T. GRCh37 (hg19) VCF-style: chr19-50747652-C-T.
Other names: c.1210+58C>T (NM_001077186.2); c.1186+58C>T (NM_024729.4).
Identifiers: ClinVar variation 677042 (VCV000677042.2), dbSNP rs114216808, ClinGen allele CA309592702.

ClinVar aggregate classification (germline): Benign. Review status: criteria provided, multiple submitters, no conflicts (2 of 4 stars). 2 submissions from 2 submitters: Benign (2). Last evaluated 2018-06-16.

Allele frequency attached by ClinVar (database versions not stated): gnomAD exomes 0.00166; 1000 Genomes Project 30x 0.01515; gnomAD 0.01531 and 0.01652; 1000 Genomes Project 0.01597; TOPMed 0.01744.
gnomAD v4.1: 4,406 of 1,333,458 alleles (0.33%); highest among the groups gnomAD compares: African/African-American, 5.3%; 115 homozygotes.

Submissions (2):

GeneDx
Classification: Benign. Last evaluated: 2018-06-16. Review status: criteria provided, single submitter. Criteria: GeneDx Variant Classification (06012015). Collection method: clinical testing. Allele origin: germline. Affected: yes.
Comment: This variant is considered likely benign or benign based on one or more of the following criteria: it is a conservative change, it occurs at a poorly conserved position in the protein, it is predicted to be benign by multiple in silico algorithms, and/or has population frequency not consistent with disease.

Breakthrough Genomics
Classification: Benign. Review status: criteria provided, single submitter. Criteria: ACMG Guidelines, 2015. Collection method: not provided. Allele origin: germline. Inheritance: Autosomal dominant inheritance. Affected: yes.